The following is an entry in ClinVar:

NM_016642.4(SPTBN5):c.418G>A (p.Val140Met)

Gene: SPTBN5 (spectrin beta, non-erythrocytic 5; minus strand). Cytogenetic location: 15q15.1.
Variant type: single nucleotide variant.
Coding change: c.418G>A on transcript NM_016642.4 (MANE Select); coding-DNA position 418, G replaced by A.
Protein change: p.Val140Met; replaces valine 140 with methionine.
Molecular consequence: missense variant.
Genome position (GRCh38, 1-based): chr15:41,890,172, C>T on the plus strand (G>A on the coding strand, the complement: SPTBN5 is on the minus strand). VCF-style: chr15-41890172-C-T. GRCh37 (hg19) VCF-style: chr15-42182370-C-T.
Other names: c.418G>A (NM_016642.3); short protein forms V140M.
Identifiers: ClinVar variation 2342561 (VCV002342561.4), dbSNP rs570136633, ClinGen allele CA7504407.

ClinVar aggregate classification (germline): Uncertain significance. Review status: criteria provided, single submitter (1 of 4 stars). 2 submissions from 2 submitters: Uncertain significance (1). 1 of the submissions does not count toward it. Last evaluated 2021-08-13.

Conditions:
SPTBN5-related disorder. Also called: SPTBN5-related condition.

Allele frequency attached by ClinVar (database versions not stated): ExAC 0.00008; gnomAD exomes 0.00010; 1000 Genomes Project 30x 0.00031; 1000 Genomes Project 0.00040; TOPMed 0.00065; gnomAD 0.00074.

Submissions (2):

Ambry Genetics
Classification: Uncertain significance. Last evaluated: 2021-08-13. Review status: criteria provided, single submitter. Criteria: Ambry Variant Classification Scheme 2023. Collection method: clinical testing. Allele origin: germline.

PreventionGenetics, part of Exact Sciences
Classification: Likely benign for SPTBN5-related condition. Last evaluated: 2022-05-23. Review status: no assertion criteria provided. Collection method: clinical testing. Allele origin: germline. Not counted in ClinVar's aggregate classification.
Comment: This variant is classified as likely benign based on ACMG/AMP sequence variant interpretation guidelines (Richards et al. 2015 PMID: 25741868, with internal and published modifications).